The following is an entry in ClinVar:

ClinVar aggregate classification (germline): Conflicting classifications of pathogenicity. Review status: criteria provided, conflicting classifications (1 of 4 stars). 4 submissions from 4 submitters: Pathogenic (2); Likely pathogenic (1); Uncertain significance (1). Last evaluated 2025-05-19.

Conditions:
Macrothrombocytopenia and granulocyte inclusions with or without nephritis or sensorineural hearing loss (MATINS). Also called: ALPORT SYNDROME WITH MACROTHROMBOCYTOPENIA; Fechtner syndrome; Epstein syndrome; Giant platelet syndrome with thrombocytopenia; SEBASTIAN PLATELET SYNDROME; MACROTHROMBOCYTOPENIA WITH DISPERSED LEUKOCYTIC INCLUSIONS. Identifiers: Orphanet 182050, MedGen C5200934, MONDO:0015912, OMIM 155100.

Submissions (4):

Mayo Clinic Laboratories, Mayo Clinic
Classification: Pathogenic. Last evaluated: 2025-05-19. Review status: criteria provided, single submitter. Criteria: ACMG Guidelines, 2015. Collection method: clinical testing. Allele origin: germline. Observed: 1 variant allele.
Comment: PP2, PP3_strong, PP5, PM1, PM2_supporting, PM5, PS4

Genetic Services Laboratory, University of Chicago
Classification: Likely pathogenic. Last evaluated: 2024-12-27. Review status: criteria provided, single submitter. Criteria: ACMG Guidelines, 2015. Collection method: clinical testing. Allele origin: germline. Affected: yes.
Comment: DNA sequence analysis of the MYH9 gene demonstrated a sequence change, c.277A>G, in exon 2 that results in an amino acid change, p.Asn93Asp. The p.Asn93Asp change affects a highly conserved amino acid residue located in a domain of the MYH9 protein that is known to be functional. The p.Asn93Asp substitution appears to be deleterious/possibly damaging using several in-silico pathogenicity prediction tools (SIFT, PolyPhen2, Align GVGD, REVEL). This particular sequence change has been described in the literature in several unrelated individuals with platelet disorders (PMIDs: 30720677, 25077172). In addition, other pathogenic sequence change affecting the same amino acid residue (p.Asn93Lys) have been described in individuals with MYH9-related disorders (PMID: 10973259, 30916803). This sequence change has not been described in population databases such as ExAC and gnomAD. Taken together, the available evidence indicates that this sequence change is likely pathogenic.

Women's Health and Genetics/Laboratory Corporation of America, LabCorp
Classification: Uncertain significance. Last evaluated: 2024-05-08. Review status: criteria provided, single submitter. Criteria: LabCorp Variant Classification Summary - May 2015. Collection method: clinical testing. Allele origin: germline.
Comment: Variant summary: MYH9 c.277A>G (p.Asn93Asp) results in a conservative amino acid change located in the Myosin head, motor domain (IPR001609) of the encoded protein sequence. Four of five in-silico tools predict a damaging effect of the variant on protein function. The variant was absent in 251446 control chromosomes. The available data on variant occurrences in the general population are insufficient to allow any conclusion about variant significance. c.277A>G has been reported in the literature in an individual affected with chronic macrothrombocytopenia, suspected of having a MYH9-related disorder (Saposnik_2014). This report does not provide unequivocal conclusions about association of the variant with Macrothrombocytopenia And Granulocyte Inclusions With Or Without Nephritis Or Sensorineural Hearing Loss. To our knowledge, no experimental evidence demonstrating an impact on protein function has been reported. ClinVar contains an entry for this variant (Variation ID: 1703781). Based on the evidence outlined above, the variant was classified as uncertain significance.

ISTH-SSC Genomics in Thrombosis and Hemostasis, KU Leuven, Center for Molecular and Vascular Biology
Classification: Pathogenic for Macrothrombocytopenia and granulocyte inclusions with or without nephritis or sensorineural hearing loss. Review status: criteria provided, single submitter. Criteria: ACMG Guidelines, 2015. Collection method: clinical testing. Allele origin: germline. Affected: yes. Observed: 1 heterozygote.
Comment: Submitted to GoldVariant by Jose María Bastida and José Rivera; Grupo Español de Alteraciones Plaquetarias Congénitas (GEAPC)

Literature cited by the submitters: PubMed 25077172 (cited by 3 submitters); PubMed 30720677 (cited by Mayo Clinic Laboratories, Mayo Clinic).

NM_002473.6(MYH9):c.277A>G (p.Asn93Asp)

Gene: MYH9 (myosin heavy chain 9; minus strand). Cytogenetic location: 22q12.3.
Variant type: single nucleotide variant.
Coding change: c.277A>G on transcript NM_002473.6 (MANE Select); coding-DNA position 277, A replaced by G.
Protein change: p.Asn93Asp; replaces asparagine 93 with aspartic acid.
Molecular consequence: missense variant.
Genome position (GRCh38, 1-based): chr22:36,348,960, T>C on the plus strand (A>G on the coding strand, the complement: MYH9 is on the minus strand). VCF-style: chr22-36348960-T-C. GRCh37 (hg19) VCF-style: chr22-36745005-T-C.
Other names: p.Asn93Asp; c.277A>G (NM_002473.5); short protein forms N93D.
Identifiers: ClinVar variation 1703781 (VCV001703781.6), dbSNP rs2518022641, ClinGen allele CA411549142.